The following is an entry in ClinVar:

NM_003560.4(PLA2G6):c.1932C>G (p.Phe644Leu)

Gene: PLA2G6 (phospholipase A2 group VI; minus strand). Cytogenetic location: 22q13.1.
Variant type: single nucleotide variant.
Coding change: c.1932C>G on transcript NM_003560.4 (MANE Select); coding-DNA position 1932, C replaced by G.
Protein change: p.Phe644Leu; replaces phenylalanine 644 with leucine.
Molecular consequence: missense variant.
Genome position (GRCh38, 1-based): chr22:38,115,629, G>C on the plus strand (C>G on the coding strand, the complement: PLA2G6 is on the minus strand). VCF-style: chr22-38115629-G-C. GRCh37 (hg19) VCF-style: chr22-38511636-G-C.
Other names: c.1770C>G, p.Phe590Leu (NM_001004426.3, NM_001199562.3, NM_001349865.2 and 1 more transcripts); c.1932C>G, p.Phe644Leu (NM_001349864.2); c.1398C>G, p.Phe466Leu (NM_001349867.2); c.1254C>G, p.Phe418Leu (NM_001349868.2); c.1236C>G, p.Phe412Leu (NM_001349869.2); short protein forms F644L, F418L, F412L, F466L, F590L.
Identifiers: ClinVar variation 1900158 (VCV001900158.5), dbSNP rs1569243550, ClinGen allele CA411524784.

ClinVar aggregate classification (germline): Uncertain significance (1 of 4 stars; one submission).

Conditions:
Infantile neuroaxonal dystrophy (NBIA2A). Also called: NEURODEGENERATION WITH BRAIN IRON ACCUMULATION 2A; SEITELBERGER DISEASE; Infantile neuroaxonal dystrophy 1. Identifiers: Orphanet 35069, MedGen C0270724, MONDO:0024457, OMIM 256600.

Allele frequency attached by ClinVar (database versions not stated): gnomAD exomes below 0.00001.
gnomAD v4.1: 1 of 1,606,302 alleles (0.000062%); highest among the groups gnomAD compares: Non-Finnish European, 0.000085%; no homozygotes.

Submission:

Labcorp Genetics (formerly Invitae), Labcorp
Classification: Uncertain significance for Infantile neuroaxonal dystrophy. Last evaluated: 2022-10-23. Review status: criteria provided, single submitter. Criteria: Invitae Variant Classification Sherloc (09022015). Collection method: clinical testing. Allele origin: germline.
Comment: This sequence change replaces phenylalanine, which is neutral and non-polar, with leucine, which is neutral and non-polar, at codon 644 of the PLA2G6 protein (p.Phe644Leu). This variant is not present in population databases (gnomAD no frequency). This variant has not been reported in the literature in individuals affected with PLA2G6-related conditions. Algorithms developed to predict the effect of missense changes on protein structure and function (SIFT, PolyPhen-2, Align-GVGD) all suggest that this variant is likely to be tolerated. In summary, the available evidence is currently insufficient to determine the role of this variant in disease. Therefore, it has been classified as a Variant of Uncertain Significance.